The following is an entry in ClinVar:

ClinVar aggregate classification (germline): Uncertain significance. Review status: criteria provided, multiple submitters, no conflicts (2 of 4 stars). 2 submissions from 2 submitters: Uncertain significance (2). Last evaluated 2020-03-02.

Conditions:
Succinate-semialdehyde dehydrogenase deficiency (SSADHD). Also called: Succinic Semialdehyde Dehydrogenase Deficiency; SSADH DEFICIENCY; 4-HYDROXYBUTYRIC ACIDURIA; GABA METABOLIC DEFECT. Identifiers: Orphanet 22, MedGen C0268631, MONDO:0010083, OMIM 271980.

Submissions (2):

Labcorp Genetics (formerly Invitae), Labcorp
Classification: Uncertain significance for Succinate-semialdehyde dehydrogenase deficiency. Last evaluated: 2020-03-02. Review status: criteria provided, single submitter. Criteria: Invitae Variant Classification Sherloc (09022015). Collection method: clinical testing. Allele origin: germline.
Comment: In summary, the available evidence is currently insufficient to determine the role of this variant in disease. Therefore, it has been classified as a Variant of Uncertain Significance. Algorithms developed to predict the effect of missense changes on protein structure and function (SIFT, PolyPhen-2, Align-GVGD) all suggest that this variant is likely to be disruptive, but these predictions have not been confirmed by published functional studies and their clinical significance is uncertain. This variant has not been reported in the literature in individuals with ALDH5A1-related conditions. This variant is not present in population databases (ExAC no frequency). This sequence change replaces proline with arginine at codon 442 of the ALDH5A1 protein (p.Pro442Arg). The proline residue is highly conserved and there is a moderate physicochemical difference between proline and arginine.

GeneDx
Classification: Uncertain significance. Last evaluated: 2019-09-09. Review status: criteria provided, single submitter. Criteria: GeneDx Variant Classification Process June 2021. Collection method: clinical testing. Allele origin: germline. Affected: yes.
Comment: Not observed in large population cohorts (Lek et al., 2016); In silico analysis, which includes protein predictors and evolutionary conservation, supports a deleterious effect; Has not been previously published as pathogenic or benign to our knowledge

NM_001080.3(ALDH5A1):c.1325C>G (p.Pro442Arg)

Gene: ALDH5A1 (aldehyde dehydrogenase 5 family member A1; plus strand). Cytogenetic location: 6p22.3.
Variant type: single nucleotide variant.
Coding change: c.1325C>G on transcript NM_001080.3 (MANE Select); coding-DNA position 1325, C replaced by G.
Protein change: p.Pro442Arg; replaces proline 442 with arginine.
Molecular consequence: missense variant.
Genome position (GRCh38, 1-based): chr6:24,528,148, C>G. VCF-style: chr6-24528148-C-G. GRCh37 (hg19) VCF-style: chr6-24528376-C-G.
Other names: c.1181C>G, p.Pro394Arg (NM_001368954.1); c.1364C>G, p.Pro455Arg (NM_170740.1); short protein forms P394R, P442R, P455R.
Identifiers: ClinVar variation 1061059 (VCV001061059.10), dbSNP rs2127389566, ClinGen allele CA362978987.
Genomic context (GRCh38, chr6:24,528,148, plus strand): 5'-CTACCCTGCTGTGCAATGTCACCCAGGACATGCTGTGCACTCATGAAGAGACTTTCGGGC[C>G]TCTGGCACCAGTTATCAAGTAAGATCCTCCAGCCAGCGGGGAGATGGGAGGAAGAATAGA-3'
Protein context (NP_001071.1, residues 432-452): MLCTHEETFG[Pro442Arg]LAPVIKFDTE